The following is an entry in ClinVar:

ClinVar aggregate classification (germline): Uncertain significance (1 of 4 stars; one submission).

Submission:

Labcorp Genetics (formerly Invitae), Labcorp
Classification: Uncertain significance. Last evaluated: 2025-06-04. Review status: criteria provided, single submitter. Criteria: Invitae Variant Classification Sherloc (09022015). Collection method: clinical testing. Allele origin: germline.
Comment: This sequence change creates a premature translational stop signal (p.Ala467Glyfs*8) in the PRPF31 gene. While this is not anticipated to result in nonsense mediated decay, it is expected to disrupt the last 33 amino acid(s) of the PRPF31 protein. This variant is not present in population databases (gnomAD no frequency). This variant has not been reported in the literature in individuals affected with PRPF31-related conditions. Experimental studies and prediction algorithms are not available or were not evaluated, and the functional significance of this variant is currently unknown. In summary, the available evidence is currently insufficient to determine the role of this variant in disease. Therefore, it has been classified as a Variant of Uncertain Significance.

NM_015629.4(PRPF31):c.1397dup (p.Ala467fs)

Gene: PRPF31 (pre-mRNA processing factor 31; plus strand). Cytogenetic location: 19q13.42.
Variant type: Duplication.
Coding change: c.1397dup on transcript NM_015629.4 (MANE Select); coding-DNA position 1397, one base duplicated (A; older notation c.1397dupA).
Protein change: p.Ala467fs; shifts the reading frame from alanine 467.
Molecular consequence: frameshift variant.
Genome position (GRCh38, 1-based): chr19:54,131,329, A duplicated. VCF-style (leftmost placement, unchanged base first): chr19-54131328-C-CA. GRCh37 (hg19) VCF-style: chr19-54634759-C-CA.
Other names: short protein forms A467fs.
Identifiers: ClinVar variation 4714372 (VCV004714372.1).